The following is an entry in ClinVar:

NC_000017.10:g.(?_59937147)_(59938900_?)dup

Gene: BRIP1 (BRCA1 interacting DNA helicase 1; minus strand). Cytogenetic location: 17q23.2.
Variant type: Duplication.
Identifiers: ClinVar variation 1434275 (VCV001434275.6).

ClinVar aggregate classification (germline): Uncertain significance (1 of 4 stars; one submission).

Conditions:
Fanconi anemia complementation group J. Also called: BRIP1-Related Fanconi Anemia. Identifiers: Orphanet 84, MedGen C1836860, MONDO:0012187, OMIM 609054.
Familial cancer of breast. Also called: BREAST CANCER, FAMILIAL; Hereditary breast cancer; hereditary breast carcinoma. Identifiers: Orphanet 227535, MedGen C0346153, MONDO:0016419, OMIM 114480. Disease mechanism: loss of function.

Submission:

Labcorp Genetics (formerly Invitae), Labcorp
Classification: Uncertain significance for Familial cancer of breast; Fanconi anemia complementation group J. Last evaluated: 2022-08-04. Review status: criteria provided, single submitter. Criteria: Invitae Variant Classification Sherloc (09022015). Collection method: clinical testing. Allele origin: germline.
Comment: This variant has not been reported in the literature in individuals affected with BRIP1-related conditions. This variant results in a copy number gain of the genomic region encompassing exon(s) 2-3 of the BRIP1 gene. This region includes the initiator codon of the gene. This copy number gain extends beyond the assayed region for this gene and therefore may encompass additional genes. As the precise location of this event is unknown, it may be in tandem or it may be located elsewhere in the genome. In summary, the available evidence is currently insufficient to determine the role of this variant in disease. Therefore, it has been classified as a Variant of Uncertain Significance.